The following is an entry in ClinVar:

NM_032119.4(ADGRV1):c.13897C>T (p.Gln4633Ter)

Gene: ADGRV1 (adhesion G protein-coupled receptor V1; plus strand). Cytogenetic location: 5q14.3.
Variant type: single nucleotide variant.
Coding change: c.13897C>T on transcript NM_032119.4 (MANE Select); coding-DNA position 13897, C replaced by T.
Protein change: p.Gln4633Ter; replaces glutamine 4633 with a stop codon.
Molecular consequence: nonsense. On other transcripts: non-coding transcript variant (1).
Genome position (GRCh38, 1-based): chr5:90,789,705, C>T. VCF-style: chr5-90789705-C-T. GRCh37 (hg19) VCF-style: chr5-90085522-C-T.
Other names: short protein forms Q4633*.
Identifiers: ClinVar variation 906562 (VCV000906562.6), dbSNP rs1338081758, ClinGen allele CA360398378.

ClinVar aggregate classification (germline): Conflicting classifications of pathogenicity. Review status: criteria provided, conflicting classifications (1 of 4 stars). 2 submissions from 2 submitters: Likely pathogenic (1); Uncertain significance (1). Last evaluated 2024-11-22.

Conditions:
Usher syndrome type 2C. Also called: USHER SYNDROME, TYPE IIC; Usher syndrome, type 2B. Identifiers: Orphanet 231178, Orphanet 886, MedGen C2931213, MONDO:0011558, OMIM 605472.
ADGRV1-related disorder. Also called: ADGRV1-related disorders; ADGRV1-related condition.

Submissions (2):

PreventionGenetics, part of Exact Sciences
Classification: Likely pathogenic for ADGRV1-related condition. Last evaluated: 2024-11-22. Review status: criteria provided, single submitter. Criteria: ACMG Guidelines, 2015. Collection method: clinical testing. Allele origin: germline.
Comment: The ADGRV1 c.13897C>T variant is predicted to result in premature protein termination (p.Gln4633*). To our knowledge, this variant has not been reported in the literature or in a large population database, indicating this variant is rare. Nonsense variants in ADGRV1 are expected to be pathogenic. This variant is interpreted as likely pathogenic.

Illumina Laboratory Services, Illumina
Classification: Uncertain significance for Usher syndrome type 2C. Last evaluated: 2017-04-28. Review status: criteria provided, single submitter. Criteria: ICSL Variant Classification Criteria 13 December 2019. Collection method: clinical testing. Allele origin: germline.